The following is an entry in ClinVar:

NM_006493.4(CLN5):c.569A>G (p.Asn190Ser)

Gene: CLN5 (CLN5 lysosomal BMP synthase; plus strand). Cytogenetic location: 13q22.3.
Variant type: single nucleotide variant.
Coding change: c.569A>G on transcript NM_006493.4 (MANE Select); coding-DNA position 569, A replaced by G.
Protein change: p.Asn190Ser; replaces asparagine 190 with serine.
Molecular consequence: missense variant. On other transcripts: 3 prime UTR variant (1).
Genome position (GRCh38, 1-based): chr13:77,000,461, A>G. VCF-style: chr13-77000461-A-G. GRCh37 (hg19) VCF-style: chr13-77574596-A-G.
Other names: p.N239S:AAC>AGC; c.716A>G (LRG_692t1); c.*18A>G (NM_001366624.2); short protein forms N190S.
Identifiers: ClinVar variation 205147 (VCV000205147.14), dbSNP rs369100769, ClinGen allele CA313927.

ClinVar aggregate classification (germline): Conflicting classifications of pathogenicity. Review status: criteria provided, conflicting classifications (1 of 4 stars). 7 submissions from 7 submitters: Uncertain significance (5); Likely benign (1). 1 of the submissions does not count toward it. Last evaluated 2025-05-13.

Conditions:
CLN5-related disorder. Also called: CLN5-related condition.
Inborn genetic diseases. Identifiers: MedGen C0950123, MeSH D030342.
Neuronal ceroid lipofuscinosis. Also called: Neuronal Ceroid Lipofuscinoses. Identifiers: Orphanet 216, Orphanet 79263, MedGen C0027877, MONDO:0016295. Disease mechanism: loss of function.
Neuronal ceroid lipofuscinosis 5 (CLN5). Also called: CLN5-Related Neuronal Ceroid-Lipofuscinosis; Neuronal ceroid lipofuscinosis Finnish variant; NEURONAL CEROID LIPOFUSCINOSIS, LATE INFANTILE, FINNISH VARIANT; CEROID LIPOFUSCINOSIS, NEURONAL, 5, VARIABLE AGE AT ONSET. Identifiers: Orphanet 168491, Orphanet 228360, MedGen C1850442, MONDO:0009745, OMIM 256731.

Allele frequency attached by ClinVar (database versions not stated): gnomAD 0.00007 and 0.00008; ESP Exome Variant Server 0.00008; TOPMed 0.00008; gnomAD exomes 0.00009 and 0.00011; ExAC 0.00011.
gnomAD v4.1: 135 of 1,612,638 alleles (0.0084%); highest among the groups gnomAD compares: Admixed American, 0.017%; 1 homozygote.

Submissions (7):

PreventionGenetics, part of Exact Sciences
Classification: Uncertain significance for CLN5-related condition. Last evaluated: 2025-05-13. Review status: criteria provided, single submitter. Criteria: ACMG Guidelines, 2015. Collection method: clinical testing. Allele origin: germline.
Comment: The CLN5 c.716A>G variant is predicted to result in the amino acid substitution p.Asn239Ser. To our knowledge, this variant has not been reported in the literature. This variant is reported in 0.019% of alleles in individuals of European (Non-Finnish) descent in gnomAD. At this time, the clinical significance of this variant is uncertain due to the absence of conclusive functional and genetic evidence.

Ambry Genetics
Classification: Likely benign for Inborn genetic diseases. Last evaluated: 2024-04-03. Review status: criteria provided, single submitter. Criteria: Ambry Variant Classification Scheme 2023. Collection method: clinical testing. Allele origin: germline.

Labcorp Genetics (formerly Invitae), Labcorp
Classification: Uncertain significance for Neuronal ceroid lipofuscinosis. Last evaluated: 2022-09-27. Review status: criteria provided, single submitter. Criteria: Invitae Variant Classification Sherloc (09022015). Collection method: clinical testing. Allele origin: germline.
Comment: This sequence change replaces asparagine, which is neutral and polar, with serine, which is neutral and polar, at codon 239 of the CLN5 protein (p.Asn239Ser). This variant is present in population databases (rs369100769, gnomAD 0.02%). This variant has not been reported in the literature in individuals affected with CLN5-related conditions. ClinVar contains an entry for this variant (Variation ID: 205147). Advanced modeling of protein sequence and biophysical properties (such as structural, functional, and spatial information, amino acid conservation, physicochemical variation, residue mobility, and thermodynamic stability) performed at Invitae indicates that this missense variant is not expected to disrupt CLN5 protein function. Algorithms developed to predict the effect of sequence changes on RNA splicing suggest that this variant may create or strengthen a splice site. In summary, the available evidence is currently insufficient to determine the role of this variant in disease. Therefore, it has been classified as a Variant of Uncertain Significance.

Fulgent Genetics
Classification: Uncertain significance for Neuronal ceroid lipofuscinosis 5. Last evaluated: 2021-09-15. Review status: criteria provided, single submitter. Criteria: ACMG Guidelines, 2015. Collection method: clinical testing. Allele origin: unknown.

Genome-Nilou Lab
Classification: Uncertain significance for Neuronal ceroid lipofuscinosis 5. Last evaluated: 2021-09-05. Review status: criteria provided, single submitter. Criteria: ACMG Guidelines, 2015. Collection method: clinical testing. Allele origin: germline. Affected: no.

GeneDx
Classification: Uncertain significance. Last evaluated: 2020-01-07. Review status: criteria provided, single submitter. Criteria: GeneDx Variant Classification Process June 2021. Collection method: clinical testing. Allele origin: germline. Affected: yes.
Comment: In silico analysis, which includes protein predictors and evolutionary conservation, supports that this variant does not alter protein structure/function; Has not been previously published as pathogenic or benign to our knowledge

Natera, Inc.
Classification: Uncertain significance for Neuronal ceroid lipofuscinosis 5. Last evaluated: 2020-04-16. Review status: no assertion criteria provided. Collection method: clinical testing. Allele origin: germline. Not counted in ClinVar's aggregate classification.